The following is an entry in ClinVar:

NM_000083.3(CLCN1):c.2524del (p.Ser842fs)

Gene: CLCN1 (chloride voltage-gated channel 1; plus strand). Cytogenetic location: 7q34.
Variant type: Deletion.
Coding change: c.2524del on transcript NM_000083.3 (MANE Select); coding-DNA position 2524, one base deleted (T; older notation c.2524delT).
Protein change: p.Ser842fs; shifts the reading frame from serine 842.
Molecular consequence: frameshift variant. On other transcripts: non-coding transcript variant (1).
Genome position (GRCh38, 1-based): chr7:143,350,583, T deleted; the last of 4 consecutive T bases (chr7:143,350,580-143,350,583); deleting any one gives the same sequence. VCF-style (leftmost placement, unchanged base first): chr7-143350579-GT-G. GRCh37 (hg19) VCF-style: chr7-143047672-GT-G.
Other names: short protein forms S842fs.
Identifiers: ClinVar variation 2951694 (VCV002951694.3), dbSNP rs2485444768, ClinGen allele CA2740094939.

ClinVar aggregate classification (germline): Pathogenic (1 of 4 stars; one submission).

Conditions:
Congenital myotonia, autosomal dominant form (THD). Also called: THOMSEN DISEASE; Myotonia congenita autosomal dominant. Identifiers: Orphanet 614, MedGen C2936781, MONDO:0008055, OMIM 160800.
Congenital myotonia, autosomal recessive form. Also called: BECKER DISEASE; Becker Generalized Myotonia; myotonia congenita, autosomal recessive. Identifiers: Orphanet 614, MedGen C0751360, MONDO:0009715, OMIM 255700.

Submission:

Labcorp Genetics (formerly Invitae), Labcorp
Classification: Pathogenic for Congenital myotonia, autosomal recessive form; Congenital myotonia, autosomal dominant form. Last evaluated: 2024-01-18. Review status: criteria provided, single submitter. Criteria: Invitae Variant Classification Sherloc (09022015). Collection method: clinical testing. Allele origin: germline.
Comment: This sequence change creates a premature translational stop signal (p.Ser842Hisfs*10) in the CLCN1 gene. While this is not anticipated to result in nonsense mediated decay, it is expected to disrupt the last 147 amino acid(s) of the CLCN1 protein. This variant is not present in population databases (gnomAD no frequency). This variant has not been reported in the literature in individuals affected with CLCN1-related conditions. This variant disrupts a region of the CLCN1 protein in which other variant(s) (p.Gly945Argfs*39) have been determined to be pathogenic (PMID: 18337100; Invitae). This suggests that this is a clinically significant region of the protein, and that variants that disrupt it are likely to be disease-causing. For these reasons, this variant has been classified as Pathogenic.

Literature cited by the submitters: PubMed 18337100.